The following is an entry in ClinVar:

ClinVar aggregate classification (germline): Uncertain significance (1 of 4 stars; one submission).

Conditions:
Inborn genetic diseases. Identifiers: MedGen C0950123, MeSH D030342.

Submission:

Ambry Genetics
Classification: Uncertain significance for Inborn genetic diseases. Last evaluated: 2025-04-17. Review status: criteria provided, single submitter. Criteria: Ambry Variant Classification Scheme 2023. Collection method: clinical testing. Allele origin: germline.
Comment: The p.I1460M variant (also known as c.4380A>G), located in coding exon 16 of the FANCM gene, results from an A to G substitution at nucleotide position 4380. The isoleucine at codon 1460 is replaced by methionine, an amino acid with highly similar properties. This amino acid position is conserved. In addition, this alteration is predicted to be tolerated by in silico analysis. Based on the available evidence, the clinical significance of this variant remains unclear.

NM_020937.4(FANCM):c.4380A>G (p.Ile1460Met)

Gene: FANCM (FA complementation group M; plus strand). Cytogenetic location: 14q21.2.
Variant type: single nucleotide variant.
Coding change: c.4380A>G on transcript NM_020937.4 (MANE Select); coding-DNA position 4380, A replaced by G.
Protein change: p.Ile1460Met; replaces isoleucine 1460 with methionine.
Molecular consequence: missense variant.
Genome position (GRCh38, 1-based): chr14:45,181,699, A>G. VCF-style: chr14-45181699-A-G. GRCh37 (hg19) VCF-style: chr14-45650902-A-G.
Other names: c.4302A>G, p.Ile1434Met (NM_001308133.2); short protein forms I1434M, I1460M.
Identifiers: ClinVar variation 4022697 (VCV004022697.1).